The following is an entry in ClinVar:

ClinVar aggregate classification (germline): Uncertain significance (1 of 4 stars; one submission).

Allele frequency attached by ClinVar (database versions not stated): gnomAD 0.00001; TOPMed 0.00001; ExAC 0.00006; ESP Exome Variant Server 0.00008; 1000 Genomes Project 30x 0.00016; 1000 Genomes Project 0.00020.
gnomAD v4.1: 53 of 1,579,364 alleles (0.0034%); highest among the groups gnomAD compares: East Asian, 0.068%; no homozygotes.

Submission:

Labcorp Genetics (formerly Invitae), Labcorp
Classification: Uncertain significance. Last evaluated: 2023-12-21. Review status: criteria provided, single submitter. Criteria: Invitae Variant Classification Sherloc (09022015). Collection method: clinical testing. Allele origin: germline.
Comment: This sequence change replaces arginine, which is basic and polar, with tryptophan, which is neutral and slightly polar, at codon 2875 of the DCHS1 protein (p.Arg2875Trp). The frequency data for this variant in the population databases is considered unreliable, as metrics indicate poor data quality at this position in the gnomAD database. This variant has not been reported in the literature in individuals affected with DCHS1-related conditions. Advanced modeling of protein sequence and biophysical properties (such as structural, functional, and spatial information, amino acid conservation, physicochemical variation, residue mobility, and thermodynamic stability) performed at Invitae indicates that this missense variant is not expected to disrupt DCHS1 protein function with a negative predictive value of 95%. In summary, the available evidence is currently insufficient to determine the role of this variant in disease. Therefore, it has been classified as a Variant of Uncertain Significance.

NM_003737.4(DCHS1):c.8623C>T (p.Arg2875Trp)

Gene: DCHS1 (dachsous cadherin-related 1; minus strand). Cytogenetic location: 11p15.4.
Variant type: single nucleotide variant.
Coding change: c.8623C>T on transcript NM_003737.4 (MANE Select); coding-DNA position 8623, C replaced by T.
Protein change: p.Arg2875Trp; replaces arginine 2875 with tryptophan.
Molecular consequence: missense variant.
Genome position (GRCh38, 1-based): chr11:6,623,053, G>A on the plus strand (C>T on the coding strand, the complement: DCHS1 is on the minus strand). VCF-style: chr11-6623053-G-A. GRCh37 (hg19) VCF-style: chr11-6644284-G-A.
Other names: short protein forms R2875W.
Identifiers: ClinVar variation 2908436 (VCV002908436.3), dbSNP rs201118374, ClinGen allele CA5859391.
Genomic context (GRCh38, chr11:6,623,053, plus strand): 5'-GTGCTTCCCGCCGGGTCCGGCCCCCACCCCCAGAGGTGGCTGTTCCGCTGCCTGGTGCCC[G>A]ACTGTCCACCCGCAGGTACAGGGCTCCTGTAGTCTGGTTAATACCAAAATAGGGGGAAGA-3'
Protein context (NP_003728.1, residues 2865-2885): TGALYLRVDS[Arg2875Trp]APGSGTATSG